The following is an entry in ClinVar:

NM_001723.7(DST):c.7234A>T (p.Ile2412Phe)

Gene: DST (dystonin; minus strand). Cytogenetic location: 6p12.1.
Variant type: single nucleotide variant.
Coding change: c.7234A>T on transcript NM_001723.7 (MANE Plus Clinical); coding-DNA position 7234, A replaced by T.
Protein change: p.Ile2412Phe; replaces isoleucine 2412 with phenylalanine.
Molecular consequence: missense variant. On other transcripts: intron variant (10).
Genome position (GRCh38, 1-based): chr6:56,616,233, T>A on the plus strand (A>T on the coding strand, the complement: DST is on the minus strand). VCF-style: chr6-56616233-T-A. GRCh37 (hg19) VCF-style: chr6-56481031-T-A.
Other names: c.4831-1749A>T (NM_001144769.5); c.4930-1749A>T (NM_001374722.1, NM_001374736.1); c.4957-1749A>T (NM_001374734.1); c.4417-1749A>T (NM_001144770.2); c.4297-1749A>T (NM_001374730.1, NM_001386100.1, NM_183380.4 and 1 more transcripts); c.3319-1749A>T (NM_015548.5); short protein forms I2412F.
Identifiers: ClinVar variation 1044832 (VCV001044832.6), dbSNP rs374413973, ClinGen allele CA3870002.
Genomic context (GRCh38, chr6:56,616,233, plus strand): 5'-CAGCAAGTTCTGTAAGTGTGATGAGGCCTTCCTGATACTTTTTGACCAAGGCTTTGTCAA[T>A]TGTTCCCTGCTCTATAGCCTCATTAATATTGAAGTGTAATCCTGTTTTAGTATCAGTCAG-3'
Protein context (NP_001714.1, residues 2402-2422): NINEAIEQGT[Ile2412Phe]DKALVKKYQE

ClinVar aggregate classification (germline): Uncertain significance (1 of 4 stars; one submission).

Conditions:
Hereditary sensory and autonomic neuropathy type 6. Also called: Neuropathy, hereditary sensory and autonomic, type VI; HSAN VI. Identifiers: Orphanet 314381, MedGen C3539003, MONDO:0013839, OMIM 614653.
Epidermolysis bullosa simplex 3, localized or generalized intermediate, with BP230 deficiency (EBS3). Also called: Epidermolysis bullosa simplex, autosomal recessive 2; Epidermolysis bullosa simplex due to BP230 deficiency. Identifiers: Orphanet 412181, MedGen C3809470, MONDO:0014180, OMIM 615425.

Allele frequency attached by ClinVar (database versions not stated): gnomAD 0.00003 and 0.00005; TOPMed 0.00003.
gnomAD v4.1: 27 of 1,614,044 alleles (0.0017%); highest among the groups gnomAD compares: East Asian, 0.053%; no homozygotes.

Submission:

Labcorp Genetics (formerly Invitae), Labcorp
Classification: Uncertain significance for Epidermolysis bullosa simplex 3, localized or generalized intermediate, with BP230 deficiency; Hereditary sensory and autonomic neuropathy type 6. Last evaluated: 2021-08-26. Review status: criteria provided, single submitter. Criteria: Invitae Variant Classification Sherloc (09022015). Collection method: clinical testing. Allele origin: germline.
Comment: This sequence change replaces isoleucine with phenylalanine at codon 2412 of the DST protein (p.Ile2412Phe). The isoleucine residue is highly conserved and there is a small physicochemical difference between isoleucine and phenylalanine. This variant is present in population databases (rs374413973, ExAC 0.08%). This variant has not been reported in the literature in individuals affected with DST-related conditions. Algorithms developed to predict the effect of missense changes on protein structure and function are either unavailable or do not agree on the potential impact of this missense change (SIFT: "Deleterious"; PolyPhen-2: "Benign"; Align-GVGD: "Class C15"). In summary, the available evidence is currently insufficient to determine the role of this variant in disease. Therefore, it has been classified as a Variant of Uncertain Significance.